The following is an entry in ClinVar:

ClinVar aggregate classification (germline): Uncertain significance. Review status: criteria provided, multiple submitters, no conflicts (2 of 4 stars). 2 submissions from 2 submitters: Uncertain significance (2). Last evaluated 2025-07-13.

Conditions:
AFF4-related disorder. Also called: AFF4-related condition.
Cognitive impairment - coarse facies - heart defects - obesity - pulmonary involvement - short stature - skeletal dysplasia syndrome. Also called: AFF4-Related CHOPS Syndrome; COGNITIVE IMPAIRMENT, COARSE FACIES, HEART DEFECTS, OBESITY, PULMONARY INVOLVEMENT, SHORT STATURE, AND SKELETAL DYSPLASIA; Chops syndrome. Identifiers: Orphanet 444077, MedGen C4085597, MONDO:0014609, OMIM 616368.

gnomAD v4.1: 9 of 1,613,976 alleles (0.00056%); highest among the groups gnomAD compares: Admixed American, 0.0033%; no homozygotes.

Submissions (2):

Labcorp Genetics (formerly Invitae), Labcorp
Classification: Uncertain significance for Cognitive impairment - coarse facies - heart defects - obesity - pulmonary involvement - short stature - skeletal dysplasia syndrome. Last evaluated: 2025-07-13. Review status: criteria provided, single submitter. Criteria: Invitae Variant Classification Sherloc (09022015). Collection method: clinical testing. Allele origin: germline.
Comment: This sequence change replaces arginine, which is basic and polar, with glutamine, which is neutral and polar, at codon 164 of the AFF4 protein (p.Arg164Gln). This variant is present in population databases (rs775341550, gnomAD 0.007%). This variant has not been reported in the literature in individuals affected with AFF4-related conditions. An algorithm developed to predict the effect of missense changes on protein structure and function (PolyPhen-2) suggests that this variant is likely to be disruptive. In summary, the available evidence is currently insufficient to determine the role of this variant in disease. Therefore, it has been classified as a Variant of Uncertain Significance.

PreventionGenetics, part of Exact Sciences
Classification: Uncertain significance for AFF4-related condition. Last evaluated: 2025-06-04. Review status: criteria provided, single submitter. Criteria: ACMG Guidelines, 2015. Collection method: clinical testing. Allele origin: germline.
Comment: The AFF4 c.491G>A variant is predicted to result in the amino acid substitution p.Arg164Gln. To our knowledge, this variant has not been reported in the literature. This variant is reported in 0.0062% of alleles in individuals of African descent in gnomAD. At this time, the clinical significance of this variant is uncertain due to the absence of conclusive functional and genetic evidence.

NM_014423.4(AFF4):c.491G>A (p.Arg164Gln)

Gene: AFF4 (ALF transcription elongation factor 4; minus strand). Cytogenetic location: 5q31.1.
Variant type: single nucleotide variant.
Coding change: c.491G>A on transcript NM_014423.4 (MANE Select); coding-DNA position 491, G replaced by A.
Protein change: p.Arg164Gln; replaces arginine 164 with glutamine.
Molecular consequence: missense variant.
Genome position (GRCh38, 1-based): chr5:132,934,574, C>T on the plus strand (G>A on the coding strand, the complement: AFF4 is on the minus strand). VCF-style: chr5-132934574-C-T. GRCh37 (hg19) VCF-style: chr5-132270266-C-T.
Other names: c.491G>A (NM_014423.3); short protein forms R164Q.
Identifiers: ClinVar variation 4749436 (VCV004749436.2).